The following is an entry in ClinVar:

ClinVar aggregate classification (germline): Uncertain significance. Review status: criteria provided, multiple submitters, no conflicts (2 of 4 stars). 3 submissions from 3 submitters: Uncertain significance (3). Last evaluated 2022-05-18.

Conditions:
Inborn genetic diseases. Identifiers: MedGen C0950123, MeSH D030342.
Severe myoclonic epilepsy in infancy (DRVT). Also called: Dravet syndrome; Epileptic encephalopathy, early infantile, 6 (Dravet syndrome); SEVERE MYOCLONIC EPILEPSY OF INFANCY; DEVELOPMENTAL AND EPILEPTIC ENCEPHALOPATHY 6A; Severe Myoclonic Epilepsy in Infancy (SMEI). Identifiers: Orphanet 33069, MedGen C0751122, MONDO:0100135, OMIM 607208.

Allele frequency attached by ClinVar (database versions not stated): gnomAD 0.00001; gnomAD exomes 0.00001 and 0.00002; TOPMed 0.00002.
gnomAD v4.1: 16 of 1,431,952 alleles (0.0011%); highest among the groups gnomAD compares: South Asian, 0.0059%; no homozygotes.

Submissions (3):

Ambry Genetics
Classification: Uncertain significance for Inborn genetic diseases. Last evaluated: 2022-05-18. Review status: criteria provided, single submitter. Criteria: Ambry Variant Classification Scheme 2023. Collection method: clinical testing. Allele origin: germline.

Labcorp Genetics (formerly Invitae), Labcorp
Classification: Uncertain significance for Severe myoclonic epilepsy in infancy. Last evaluated: 2021-12-08. Review status: criteria provided, single submitter. Criteria: Invitae Variant Classification Sherloc (09022015). Collection method: clinical testing. Allele origin: germline.
Comment: This sequence change replaces proline, which is neutral and non-polar, with leucine, which is neutral and non-polar, at codon 14 of the SNX27 protein (p.Pro14Leu). This variant is present in population databases (no rsID available, gnomAD 0.007%). This variant has not been reported in the literature in individuals affected with SNX27-related conditions. ClinVar contains an entry for this variant (Variation ID: 462814). Algorithms developed to predict the effect of missense changes on protein structure and function are either unavailable or do not agree on the potential impact of this missense change (SIFT: "Deleterious"; PolyPhen-2: "Benign"; Align-GVGD: "Class C0"). In summary, the available evidence is currently insufficient to determine the role of this variant in disease. Therefore, it has been classified as a Variant of Uncertain Significance.

Breakthrough Genomics
Classification: Uncertain significance. Review status: criteria provided, single submitter. Criteria: ACMG Guidelines, 2015. Collection method: not provided. Allele origin: germline. Inheritance: Unknown mechanism. Affected: yes.

NM_001330723.2(SNX27):c.41C>T (p.Pro14Leu)

Genes: SNX27 (sorting nexin 27; plus strand), LOC129931442 (ATAC-STARR-seq lymphoblastoid silent region 1324; plus strand). Cytogenetic location: 1q21.3.
Variant type: single nucleotide variant.
Coding change: c.41C>T on transcript NM_001330723.2 (MANE Select); coding-DNA position 41, C replaced by T.
Protein change: p.Pro14Leu; replaces proline 14 with leucine.
Molecular consequence: missense variant.
Genome position (GRCh38, 1-based): chr1:151,612,242, C>T. VCF-style: chr1-151612242-C-T. GRCh37 (hg19) VCF-style: chr1-151584718-C-T.
Other names: c.41C>T, p.Pro14Leu (NM_030918.6); short protein forms P14L.
Identifiers: ClinVar variation 462814 (VCV000462814.6), dbSNP rs965328686, ClinGen allele CA30493465.